The following is an entry in ClinVar:

NM_003482.4(KMT2D):c.2296GAG[3] (p.Glu767_Pro768insGlu)

Gene: KMT2D (lysine methyltransferase 2D; minus strand). Cytogenetic location: 12q13.12.
Variant type: Microsatellite.
Coding change: c.2296GAG[3] on transcript NM_003482.4 (MANE Select); three copies in a row of the 3-base unit GAG starting at c.2296; the reference has two copies in a row; one copy, 3 bases duplicated.
Protein change: p.Glu767_Pro768insGlu.
Molecular consequence: inframe insertion.
Genome position (GRCh38, 1-based): chr12:49,051,382-49,051,384, CTC duplicated on the plus strand (GAG on the coding strand, the reverse complement: KMT2D is on the minus strand); duplicating any 3 consecutive bases within chr12:49,051,382-49,051,387 gives the same sequence; the position shown is the placement nearest the transcript's 3' end. VCF-style (leftmost placement, unchanged base first): chr12-49051381-G-GCTC. GRCh37 (hg19) VCF-style: chr12-49445164-G-GCTC.
Identifiers: ClinVar variation 2196160 (VCV002196160.4), dbSNP rs1937994901, ClinGen allele CA947430761.
Genomic context (GRCh38, chr12:49,051,381, plus strand): 5'-AGTGTGGCTCCTCAGGCACAGCGCATAGGCATGGCTCCTCAGGCTGGGGGGACAGGTGTG[G>GCTC]CTCCTCAGCCTGCGGAGATAGGTGTGGCTCCTCAGGCCGGGGGGACAGGTGCGGCTCCTC-3'

ClinVar aggregate classification (germline): Uncertain significance (1 of 4 stars; one submission).

Conditions:
Kabuki syndrome. Also called: NIIKAWA-KUROKI SYNDROME; Kabuki make-up syndrome. Identifiers: Orphanet 2322, MedGen C0796004, MONDO:0016512.

Submission:

Labcorp Genetics (formerly Invitae), Labcorp
Classification: Uncertain significance for Kabuki syndrome. Last evaluated: 2022-09-24. Review status: criteria provided, single submitter. Criteria: Invitae Variant Classification Sherloc (09022015). Collection method: clinical testing. Allele origin: germline.
Comment: This variant, c.2299_2301dup, results in the insertion of 1 amino acid(s) of the KMT2D protein (p.Glu767dup), but otherwise preserves the integrity of the reading frame. This variant is not present in population databases (gnomAD no frequency). This variant has not been reported in the literature in individuals affected with KMT2D-related conditions. In summary, the available evidence is currently insufficient to determine the role of this variant in disease. Therefore, it has been classified as a Variant of Uncertain Significance.